The following is an entry in ClinVar:

ClinVar aggregate classification (germline): Uncertain significance (1 of 4 stars; one submission).

Allele frequency attached by ClinVar (database versions not stated): ExAC 0.00001.

Submission:

GeneDx
Classification: Uncertain significance. Last evaluated: 2024-12-08. Review status: criteria provided, single submitter. Criteria: GeneDx Variant Classification Process June 2021. Collection method: clinical testing. Allele origin: germline. Affected: yes.
Comment: In silico analysis supports that this missense variant has a deleterious effect on protein structure/function; Has not been previously published as pathogenic or benign to our knowledge

NM_153252.5(BRWD3):c.1684C>T (p.Arg562Cys)

Gene: BRWD3 (bromodomain and WD repeat domain containing 3; minus strand). Cytogenetic location: Xq21.1.
Variant type: single nucleotide variant.
Coding change: c.1684C>T on transcript NM_153252.5 (MANE Select); coding-DNA position 1684, C replaced by T.
Protein change: p.Arg562Cys; replaces arginine 562 with cysteine.
Molecular consequence: missense variant.
Genome position (GRCh38, 1-based): chrX:80,722,754, G>A on the plus strand (C>T on the coding strand, the complement: BRWD3 is on the minus strand). VCF-style: chrX-80722754-G-A. GRCh37 (hg19) VCF-style: chrX-79978253-G-A.
Other names: short protein forms R562C.
Identifiers: ClinVar variation 1878932 (VCV001878932.2), dbSNP rs748421788, ClinGen allele CA10462139.